The following is an entry in ClinVar:

ClinVar aggregate classification (germline): Uncertain significance (1 of 4 stars; one submission).

Submission:

CeGaT Center for Human Genetics Tuebingen
Classification: Uncertain significance. Last evaluated: 2026-06-01. Review status: criteria provided, single submitter. Criteria: CeGaT Center For Human Genetics Tuebingen Variant Classification Criteria Version 2. Collection method: clinical testing. Allele origin: germline. Affected: yes. Observed: 1 variant allele.
Comment: TNXB: PM2

NM_001365276.2(TNXB):c.10841T>C (p.Leu3614Pro)

Genes: TNXB (tenascin XB; minus strand), LOC106780803 (tenascin XB recombination region; plus strand). Cytogenetic location: 6p21.33.
Variant type: single nucleotide variant.
Coding change: c.10841T>C on transcript NM_001365276.2 (MANE Select); coding-DNA position 10841, T replaced by C.
Protein change: p.Leu3614Pro; replaces leucine 3614 with proline.
Molecular consequence: missense variant.
Genome position (GRCh38, 1-based): chr6:32,045,092, A>G on the plus strand (T>C on the coding strand, the complement: TNXB is on the minus strand). VCF-style: chr6-32045092-A-G. GRCh37 (hg19) VCF-style: chr6-32012869-A-G.
Other names: c.11582T>C, p.Leu3861Pro (NM_001428335.1); c.10835T>C, p.Leu3612Pro (NM_019105.8); c.128T>C, p.Leu43Pro (NM_032470.4); short protein forms L3612P, L3614P, L3861P, L43P.
Identifiers: ClinVar variation 4874135 (VCV004874135.2).